The following is an entry in ClinVar:

NM_001367624.2(ZNF469):c.3442G>A (p.Gly1148Arg)

Gene: ZNF469 (zinc finger protein 469; plus strand). Cytogenetic location: 16q24.2.
Variant type: single nucleotide variant.
Coding change: c.3442G>A on transcript NM_001367624.2 (MANE Select); coding-DNA position 3442, G replaced by A.
Protein change: p.Gly1148Arg; replaces glycine 1148 with arginine.
Molecular consequence: missense variant.
Genome position (GRCh38, 1-based): chr16:88,430,912, G>A. VCF-style: chr16-88430912-G-A. GRCh37 (hg19) VCF-style: chr16-88497320-G-A.
Other names: short protein forms G1148R.
Identifiers: ClinVar variation 2043457 (VCV002043457.4), dbSNP rs1350329060, ClinGen allele CA397084314.

ClinVar aggregate classification (germline): Uncertain significance (1 of 4 stars; one submission).

gnomAD v4.1: 6 of 1,537,372 alleles (0.00039%); highest among the groups gnomAD compares: Non-Finnish European, 0.00035%; no homozygotes.

Submission:

Labcorp Genetics (formerly Invitae), Labcorp
Classification: Uncertain significance. Last evaluated: 2023-07-28. Review status: criteria provided, single submitter. Criteria: Invitae Variant Classification Sherloc (09022015). Collection method: clinical testing. Allele origin: germline.
Comment: This sequence change replaces glycine, which is neutral and non-polar, with arginine, which is basic and polar, at codon 1120 of the ZNF469 protein (p.Gly1120Arg). In summary, the available evidence is currently insufficient to determine the role of this variant in disease. Therefore, it has been classified as a Variant of Uncertain Significance. Algorithms developed to predict the effect of missense changes on protein structure and function output the following: SIFT: "Not Available"; PolyPhen-2: "Benign"; Align-GVGD: "Not Available". The arginine amino acid residue is found in multiple mammalian species, which suggests that this missense change does not adversely affect protein function. ClinVar contains an entry for this variant (Variation ID: 2043457). This variant has not been reported in the literature in individuals affected with ZNF469-related conditions. This variant is not present in population databases (gnomAD no frequency).